The following is an entry in ClinVar:

NM_004928.3(CFAP410):c.436_466del (p.Glu146fs)

Gene: CFAP410 (cilia and flagella associated protein 410; minus strand). Cytogenetic location: 21q22.3.
Variant type: Deletion.
Coding change: c.436_466del on transcript NM_004928.3 (MANE Select); coding-DNA positions 436 to 466, 31 bases deleted.
Protein change: p.Glu146fs; shifts the reading frame from glutamic acid 146.
Molecular consequence: frameshift variant.
Genome position (GRCh38, 1-based): chr21:44,331,922-44,331,952, 31 bases deleted; deleting any 31 consecutive bases within chr21:44,331,922-44,331,961 gives the same sequence; the c. name uses the placement nearest the transcript's 3' end. GRCh37 (hg19): chr21:45,751,814-45,751,844.
Other names: c.436_466del, p.Glu146fs (NM_001271440.2, NM_001271441.2); c.313_343del, p.Glu105fs (NM_001271442.1); short protein forms E146fs, E105fs.
Identifiers: ClinVar variation 428576 (VCV000428576.5), dbSNP rs746633371, ClinGen allele CA10053662.

ClinVar aggregate classification (germline): Pathogenic. Review status: criteria provided, single submitter (1 of 4 stars). 2 submissions from 2 submitters: Pathogenic (1). 1 of the submissions does not count toward it. Last evaluated 2025-05-22.

Conditions:
Retinal dystrophy with or without macular staphyloma. Identifiers: Orphanet 653709, MedGen C4479651, MONDO:0060507, OMIM 617547.

Submissions (2):

Labcorp Genetics (formerly Invitae), Labcorp
Classification: Pathogenic. Last evaluated: 2025-05-22. Review status: criteria provided, single submitter. Criteria: Invitae Variant Classification Sherloc (09022015). Collection method: clinical testing. Allele origin: germline.
Comment: This sequence change creates a premature translational stop signal (p.Glu146Serfs*6) in the CFAP410 gene. It is expected to result in an absent or disrupted protein product. Loss-of-function variants in CFAP410 are known to be pathogenic (PMID: 23105016, 26167768). This variant is present in population databases (rs746633371, gnomAD 0.002%). This premature translational stop signal has been observed in individuals with inherited retinal dystrophy (PMID: 26294103). ClinVar contains an entry for this variant (Variation ID: 428576). For these reasons, this variant has been classified as Pathogenic.

OMIM
Classification: Pathogenic for RETINAL DYSTROPHY WITH MACULAR STAPHYLOMA. Last evaluated: 2018-07-17. Review status: no assertion criteria provided. Collection method: literature only. Allele origin: germline. Not counted in ClinVar's aggregate classification.

Literature cited by the submitters: PubMed 23105016 (cited by Labcorp Genetics (formerly Invitae), Labcorp); PubMed 26167768 (cited by Labcorp Genetics (formerly Invitae), Labcorp); PubMed 26294103 (cited by Labcorp Genetics (formerly Invitae), Labcorp and OMIM).